The following is an entry in ClinVar:

NM_000488.4(SERPINC1):c.568T>C (p.Tyr190His)

Gene: SERPINC1 (serpin family C member 1; minus strand). Cytogenetic location: 1q25.1.
Variant type: single nucleotide variant.
Coding change: c.568T>C on transcript NM_000488.4 (MANE Select); coding-DNA position 568, T replaced by C.
Protein change: p.Tyr190His; replaces tyrosine 190 with histidine.
Molecular consequence: missense variant. On other transcripts: intron variant (1).
Genome position (GRCh38, 1-based): chr1:173,911,855, A>G on the plus strand (T>C on the coding strand, the complement: SERPINC1 is on the minus strand). VCF-style: chr1-173911855-A-G. GRCh37 (hg19) VCF-style: chr1-173880993-A-G.
Other names: c.424T>C, p.Tyr142His (NM_001365052.2); c.568T>C, p.Tyr190His (NM_001386302.1, NM_001386304.1, NM_001386305.1); c.649T>C, p.Tyr217His (NM_001386303.1); c.409-964T>C (NM_001386306.1); short protein forms Y142H, Y217H, Y190H.
Identifiers: ClinVar variation 2693760 (VCV002693760.3), dbSNP rs748774160, ClinGen allele CA1251400.

ClinVar aggregate classification (germline): Uncertain significance (1 of 4 stars; one submission).

Conditions:
Hereditary antithrombin deficiency (AT3D). Also called: Reduced antithrombin III activity; Antithrombin III deficiency; Thrombophilia due to antithrombin III deficiency; Antithrombin deficiency. Identifiers: Orphanet 82, MedGen C0272375, MONDO:0013144, OMIM 613118, HP:0001976.

Allele frequency attached by ClinVar (database versions not stated): ExAC 0.00001.

Submission:

Labcorp Genetics (formerly Invitae), Labcorp
Classification: Uncertain significance for Hereditary antithrombin deficiency. Last evaluated: 2023-06-06. Review status: criteria provided, single submitter. Criteria: Invitae Variant Classification Sherloc (09022015). Collection method: clinical testing. Allele origin: germline.
Comment: In summary, the available evidence is currently insufficient to determine the role of this variant in disease. Therefore, it has been classified as a Variant of Uncertain Significance. This variant disrupts the p.Tyr190 amino acid residue in SERPINC1. Other variant(s) that disrupt this residue have been observed in individuals with SERPINC1-related conditions (PMID: 22627591, 28317092, 29902631; Invitae), which suggests that this may be a clinically significant amino acid residue. Advanced modeling of protein sequence and biophysical properties (such as structural, functional, and spatial information, amino acid conservation, physicochemical variation, residue mobility, and thermodynamic stability) performed at Invitae indicates that this missense variant is expected to disrupt SERPINC1 protein function. This missense change has been observed in individual(s) with antithrombin III deficiency (Invitae). This variant is present in population databases (rs748774160, gnomAD 0.006%). This sequence change replaces tyrosine, which is neutral and polar, with histidine, which is basic and polar, at codon 190 of the SERPINC1 protein (p.Tyr190His).

Literature cited by the submitters: PubMed 22627591; PubMed 28317092; PubMed 29902631.